The following is an entry in ClinVar:

NM_173495.3(PTCHD1):c.1987G>A (p.Asp663Asn)

Gene: PTCHD1 (patched domain containing 1; plus strand). Cytogenetic location: Xp22.11.
Variant type: single nucleotide variant.
Coding change: c.1987G>A on transcript NM_173495.3 (MANE Select); coding-DNA position 1987, G replaced by A.
Protein change: p.Asp663Asn; replaces aspartic acid 663 with asparagine.
Molecular consequence: missense variant.
Genome position (GRCh38, 1-based): chrX:23,393,505, G>A. VCF-style: chrX-23393505-G-A. GRCh37 (hg19) VCF-style: chrX-23411622-G-A.
Other names: short protein forms D663N.
Identifiers: ClinVar variation 1783888 (VCV001783888.2), dbSNP rs753395256, ClinGen allele CA412586964.

ClinVar aggregate classification (germline): Uncertain significance (1 of 4 stars; one submission).

Conditions:
Inborn genetic diseases. Identifiers: MedGen C0950123, MeSH D030342.

Allele frequency attached by ClinVar (database versions not stated): TOPMed below 0.00001; gnomAD 0.00001.
gnomAD v4.1: 1 of 1,209,766 alleles (0.000083%); highest among the groups gnomAD compares: Non-Finnish European, 0.00011%; no homozygotes.

Submission:

Ambry Genetics
Classification: Uncertain significance for Inborn genetic diseases. Last evaluated: 2020-04-16. Review status: criteria provided, single submitter. Criteria: Ambry Variant Classification Scheme 2023. Collection method: clinical testing. Allele origin: germline.
Comment: The p.D663N variant (also known as c.1987G>A), located in coding exon 3 of the PTCHD1 gene, results from a G to A substitution at nucleotide position 1987. The aspartic acid at codon 663 is replaced by asparagine, an amino acid with highly similar properties. This amino acid position is not well conserved in available vertebrate species. In addition, this alteration is predicted to be tolerated by in silico analysis. Since supporting evidence is limited at this time, the clinical significance of this alteration remains unclear.